The following is an entry in ClinVar:

ClinVar aggregate classification (germline): Conflicting classifications of pathogenicity. Review status: criteria provided, conflicting classifications (1 of 4 stars). 2 submissions from 2 submitters: Uncertain significance (1); Likely benign (1). Last evaluated 2026-02-03.

Allele frequency attached by ClinVar (database versions not stated): ExAC 0.00003; gnomAD 0.00005; TOPMed 0.00006; gnomAD exomes 0.00011.
gnomAD v4.1: 162 of 1,610,820 alleles (0.01%); highest among the groups gnomAD compares: Non-Finnish European, 0.013%; no homozygotes.

Submissions (2):

Women's Health and Genetics/Laboratory Corporation of America, LabCorp
Classification: Likely benign. Last evaluated: 2026-02-03. Review status: criteria provided, single submitter. Criteria: LabCorp Variant Classification Summary - May 2015. Collection method: clinical testing. Allele origin: germline.
Comment: Variant summary: GBF1 c.5381G>C (p.Ser1794Thr) results in a conservative amino acid change in the encoded protein sequence. Algorithms developed to predict the effect of missense changes on protein structure and function are either unavailable or do not agree on the potential impact of this missense change. The variant allele was found at a frequency of 0.0001 in 1603840 control chromosomes, predominantly at a frequency of 0.00013 within the Non-Finnish European subpopulation in the gnomAD database (v4.1 dataset). The observed variant frequency within Non-Finnish European control individuals in the gnomAD database exceeds the estimated maximal expected allele frequency for disease-causing variants in GBF1. To our knowledge, no occurrence of c.5381G>C in individuals affected with GBF1-related conditions and no experimental evidence demonstrating its impact on protein function have been reported. ClinVar contains an entry for this variant (Variation ID: 2400060). Based on the evidence outlined above, the variant was classified as likely benign.

Ambry Genetics
Classification: Uncertain significance. Last evaluated: 2024-03-19. Review status: criteria provided, single submitter. Criteria: Ambry Variant Classification Scheme 2023. Collection method: clinical testing. Allele origin: germline.

NM_001377137.1(GBF1):c.5384G>C (p.Ser1795Thr)

Gene: GBF1 (golgi brefeldin A resistant guanine nucleotide exchange factor 1; plus strand). Cytogenetic location: 10q24.32.
Variant type: single nucleotide variant.
Coding change: c.5384G>C on transcript NM_001377137.1 (MANE Select); coding-DNA position 5384, G replaced by C.
Protein change: p.Ser1795Thr; replaces serine 1795 with threonine.
Molecular consequence: missense variant. On other transcripts: non-coding transcript variant (5).
Genome position (GRCh38, 1-based): chr10:102,382,137, G>C. VCF-style: chr10-102382137-G-C. GRCh37 (hg19) VCF-style: chr10-104141894-G-C.
Other names: c.5087G>C, p.Ser1696Thr (NM_001377139.1, NM_001391930.1); c.5075G>C, p.Ser1692Thr (NM_001377140.1); c.5381G>C, p.Ser1794Thr (NM_001377141.1, NM_004193.3); c.5468G>C, p.Ser1823Thr (NM_001391922.1); c.5372G>C, p.Ser1791Thr (NM_001391923.1, NM_001199378.2); c.5369G>C, p.Ser1790Thr (NM_001391924.1, NM_001199379.2); c.5345G>C, p.Ser1782Thr (NM_001391925.1); c.5336G>C, p.Ser1779Thr (NM_001391926.1); and 7 more; short protein forms S1795T, S1819T, S1823T, S1696T, S1747T, S1782T, S1790T, S1794T.
Identifiers: ClinVar variation 2400060 (VCV002400060.3), dbSNP rs749549726, ClinGen allele CA5664334.